The following is an entry in ClinVar:

NM_001142864.4(PIEZO1):c.6188C>T (p.Ala2063Val)

Gene: PIEZO1 (piezo type mechanosensitive ion channel component 1 (Er blood group); minus strand). Cytogenetic location: 16q24.3.
Variant type: single nucleotide variant.
Coding change: c.6188C>T on transcript NM_001142864.4 (MANE Select); coding-DNA position 6188, C replaced by T.
Protein change: p.Ala2063Val; replaces alanine 2063 with valine.
Molecular consequence: missense variant.
Genome position (GRCh38, 1-based): chr16:88,719,937, G>A on the plus strand (C>T on the coding strand, the complement: PIEZO1 is on the minus strand). VCF-style: chr16-88719937-G-A. GRCh37 (hg19) VCF-style: chr16-88786345-G-A.
Other names: short protein forms A2063V.
Identifiers: ClinVar variation 3898209 (VCV003898209.7).

ClinVar aggregate classification (germline): Uncertain significance (1 of 4 stars; one submission).

Submission:

CeGaT Center for Human Genetics Tuebingen
Classification: Uncertain significance. Last evaluated: 2025-04-01. Review status: criteria provided, single submitter. Criteria: CeGaT Center For Human Genetics Tuebingen Variant Classification Criteria Version 2. Collection method: clinical testing. Allele origin: germline. Affected: yes. Observed: 1 variant allele.
Comment: PIEZO1: PM2